The following is an entry in ClinVar:

ClinVar aggregate classification (germline): Uncertain significance (1 of 4 stars; one submission).

Allele frequency attached by ClinVar (database versions not stated): TOPMed 0.00001.

Submission:

Ambry Genetics
Classification: Uncertain significance. Last evaluated: 2023-08-08. Review status: criteria provided, single submitter. Criteria: Ambry Variant Classification Scheme 2023. Collection method: clinical testing. Allele origin: germline.
Comment: The c.1162+4A>C intronic variant results from an A to C substitution 4 nucleotides after coding exon 11 in the KIF1B gene. This nucleotide position is highly conserved in available vertebrate species. In silico splice site analysis predicts that this alteration will not have any significant effect on splicing. The evidence for this gene-disease relationship is limited; therefore, the clinical significance of this alteration is unclear.

NM_001365951.3(KIF1B):c.1180+4A>C

Gene: KIF1B (kinesin family member 1B; plus strand). Cytogenetic location: 1p36.22.
Variant type: single nucleotide variant.
Coding change: c.1180+4A>C on transcript NM_001365951.3 (MANE Select); 4 bases into the intron after coding-DNA position 1180, A replaced by C.
Molecular consequence: intron variant.
Genome position (GRCh38, 1-based): chr1:10,278,132, A>C. VCF-style: chr1-10278132-A-C. GRCh37 (hg19) VCF-style: chr1-10338190-A-C.
Other names: c.1162+4A>C (NM_183416.4, NM_015074.3, NM_001365953.1); c.1180+4A>C (NM_001365952.1).
Identifiers: ClinVar variation 1737048 (VCV001737048.3), dbSNP rs993949391, ClinGen allele CA17840502.